The following is an entry in ClinVar:

NM_001365536.1(SCN9A):c.1346G>A (p.Ser449Asn)

Genes: SCN9A (sodium voltage-gated channel alpha subunit 9; minus strand), SCN1A-AS1 (SCN1A and SCN9A antisense RNA 1; plus strand). Cytogenetic location: 2q24.3.
Variant type: single nucleotide variant.
Coding change: c.1346G>A on transcript NM_001365536.1 (MANE Select); coding-DNA position 1346, G replaced by A.
Protein change: p.Ser449Asn; replaces serine 449 with asparagine.
Molecular consequence: missense variant.
Genome position (GRCh38, 1-based): chr2:166,286,592, C>T on the plus strand (G>A on the coding strand, the complement: SCN9A is on the minus strand). VCF-style: chr2-166286592-C-T. GRCh37 (hg19) VCF-style: chr2-167143102-C-T.
Other names: c.1346G>A, p.Ser449Asn (NM_002977.4); short protein forms S449N.
Identifiers: ClinVar variation 3748026 (VCV003748026.2).

ClinVar aggregate classification (germline): Uncertain significance (1 of 4 stars; one submission).

Conditions:
Generalized epilepsy with febrile seizures plus, type 7 (GEFSP7). Also called: GEFS+, TYPE 7. Identifiers: Orphanet 36387, MedGen C2751778, MONDO:0013470, OMIM 613863.
Neuropathy, hereditary sensory and autonomic, type 2A (HSAN2A). Also called: MORVAN DISEASE; NEUROPATHY, CONGENITAL SENSORY; NEUROPATHY, HEREDITARY SENSORY RADICULAR, AUTOSOMAL RECESSIVE; NEUROPATHY, HEREDITARY SENSORY, TYPE IIA; NEUROPATHY, PROGRESSIVE SENSORY, OF CHILDREN; HSAN IIA. Identifiers: Orphanet 970, MedGen C2752089, MONDO:0024309, OMIM 201300.

gnomAD v4.1: 4 of 1,577,094 alleles (0.00025%); highest among the groups gnomAD compares: South Asian, 0.0012%; no homozygotes.

Submission:

Labcorp Genetics (formerly Invitae), Labcorp
Classification: Uncertain significance for Neuropathy, hereditary sensory and autonomic, type 2A; Generalized epilepsy with febrile seizures plus, type 7. Last evaluated: 2024-08-31. Review status: criteria provided, single submitter. Criteria: Invitae Variant Classification Sherloc (09022015). Collection method: clinical testing. Allele origin: germline.
Comment: This sequence change replaces serine, which is neutral and polar, with asparagine, which is neutral and polar, at codon 449 of the SCN9A protein (p.Ser449Asn). The frequency data for this variant in the population databases is considered unreliable, as metrics indicate poor data quality at this position in the gnomAD database. This variant has not been reported in the literature in individuals affected with SCN9A-related conditions. Invitae Evidence Modeling of protein sequence and biophysical properties (such as structural, functional, and spatial information, amino acid conservation, physicochemical variation, residue mobility, and thermodynamic stability) has been performed for this missense variant. However, the output from this modeling did not meet the statistical confidence thresholds required to predict the impact of this variant on SCN9A protein function. In summary, the available evidence is currently insufficient to determine the role of this variant in disease. Therefore, it has been classified as a Variant of Uncertain Significance.